The following is an entry in ClinVar:

NM_005633.4(SOS1):c.2999G>A (p.Ser1000Asn)

Gene: SOS1 (SOS Ras/Rac guanine nucleotide exchange factor 1; minus strand). Cytogenetic location: 2p22.1.
Variant type: single nucleotide variant.
Coding change: c.2999G>A on transcript NM_005633.4 (MANE Select); coding-DNA position 2999, G replaced by A.
Protein change: p.Ser1000Asn; replaces serine 1000 with asparagine.
Molecular consequence: missense variant.
Genome position (GRCh38, 1-based): chr2:38,997,004, C>T on the plus strand (G>A on the coding strand, the complement: SOS1 is on the minus strand). VCF-style: chr2-38997004-C-T. GRCh37 (hg19) VCF-style: chr2-39224145-C-T.
Other names: c.2978G>A, p.Ser993Asn (NM_001382394.1); c.2999G>A, p.Ser1000Asn (NM_001382395.1); short protein forms S1000N, S993N.
Identifiers: ClinVar variation 496303 (VCV000496303.14), dbSNP rs891035934, ClinGen allele CA45647365.

ClinVar aggregate classification (germline): Conflicting classifications of pathogenicity. Review status: criteria provided, conflicting classifications (1 of 4 stars). 5 submissions from 5 submitters: Uncertain significance (3); Likely benign (2). Last evaluated 2025-12-03.

Conditions:
SOS1-related disorder. Also called: SOS1-related condition.
Cardiovascular phenotype. Identifiers: MedGen CN230736.
RASopathy. Also called: Noonan spectrum disorder; rasopathies. Identifiers: Orphanet 536391, MedGen C5555857, MONDO:0021060.

Allele frequency attached by ClinVar (database versions not stated): gnomAD 0.00001 and 0.00002; gnomAD exomes 0.00001; TOPMed 0.00001.
gnomAD v4.1: 20 of 1,603,904 alleles (0.0012%); highest among the groups gnomAD compares: Middle Eastern, 0.017%; no homozygotes.

Submissions (5):

Labcorp Genetics (formerly Invitae), Labcorp
Classification: Uncertain significance for RASopathy. Last evaluated: 2025-12-03. Review status: criteria provided, single submitter. Criteria: Invitae Variant Classification Sherloc (09022015). Collection method: clinical testing. Allele origin: germline.
Comment: This sequence change replaces serine, which is neutral and polar, with asparagine, which is neutral and polar, at codon 1000 of the SOS1 protein (p.Ser1000Asn). This variant is not present in population databases (gnomAD no frequency). This missense change has been observed in individuals with clinical features of SOS1-related conditions (PMID: 17586837, 18651097, 29907801). ClinVar contains an entry for this variant (Variation ID: 496303). Invitae Evidence Modeling of protein sequence and biophysical properties (such as structural, functional, and spatial information, amino acid conservation, physicochemical variation, residue mobility, and thermodynamic stability) indicates that this missense variant is not expected to disrupt SOS1 protein function with a negative predictive value of 95%. In summary, the available evidence is currently insufficient to determine the role of this variant in disease. Therefore, it has been classified as a Variant of Uncertain Significance.

Women's Health and Genetics/Laboratory Corporation of America, LabCorp
Classification: Uncertain significance. Last evaluated: 2025-10-29. Review status: criteria provided, single submitter. Criteria: LabCorp Variant Classification Summary - May 2015. Collection method: clinical testing. Allele origin: germline.
Comment: Variant summary: SOS1 c.2999G>A (p.Ser1000Asn) results in a conservative amino acid change located in the Ras guanine-nucleotide exchange factors catalytic domain (IPR001895) of the encoded protein sequence. Algorithms developed to predict the effect of missense changes on protein structure and function are either unavailable or do not agree on the potential impact of this missense change. The variant was absent in 251012 control chromosomes. The available data on variant occurrences in the general population are insufficient to allow any conclusion about variant significance. c.2999G>A has been in the literature as a neutral polymorphism or a VUS in individuals, their unaffected parents and in at-least one prenatal specimens undergoing testing for Noonan Syndrome And Related Conditions (example, Zenker_2007, Narumi_2008, Leach_2019). Since the penetrance of Noonan Syndrome And Related Conditions due to this variant appears to be lower than expected, no conclusions can be drawn from these data. To our knowledge, no experimental evidence demonstrating an impact on protein function has been reported. The following publications have been ascertained in the context of this evaluation (PMID: 17586837, 21387466, 22585553, 18651097, 29907801). ClinVar contains an entry for this variant (Variation ID: 496303). Based on the evidence outlined above, the variant was classified as VUS-possibly benign.

PreventionGenetics, part of Exact Sciences
Classification: Uncertain significance for SOS1-related condition. Last evaluated: 2025-10-22. Review status: criteria provided, single submitter. Criteria: ACMG Guidelines, 2015. Collection method: clinical testing. Allele origin: germline.
Comment: The SOS1 c.2999G>A variant is predicted to result in the amino acid substitution p.Ser1000Asn. This variant has been reported in a fetus with increased nuchal translucency and edema (Leach et al 2019. PubMed ID: 29907801). It has also reported in an individual with features of Noonan syndrome; however, the variant was found to be inherited from the patient's unaffected father (Zenker et al. 2007. PubMed ID: 17586837). This variant has not been reported in a large population database (gnomAD), indicating this variant is rare. At this time, the clinical significance of this variant is uncertain due to the absence of conclusive functional and genetic evidence.

Ambry Genetics
Classification: Likely benign for Cardiovascular phenotype. Last evaluated: 2024-03-23. Review status: criteria provided, single submitter. Criteria: Ambry Variant Classification Scheme 2023. Collection method: clinical testing. Allele origin: germline.

GeneDx
Classification: Likely benign. Last evaluated: 2017-12-22. Review status: criteria provided, single submitter. Criteria: GeneDx Variant Classification (06012015). Collection method: clinical testing. Allele origin: germline. Affected: yes.
Comment: This variant is considered likely benign or benign based on one or more of the following criteria: it is a conservative change, it occurs at a poorly conserved position in the protein, it is predicted to be benign by multiple in silico algorithms, and/or has population frequency not consistent with disease.

Literature cited by the submitters: PubMed 17586837 (cited by 3 submitters); PubMed 18651097 (cited by Labcorp Genetics (formerly Invitae), Labcorp and Women's Health and Genetics/Laboratory Corporation of America, LabCorp); PubMed 29907801 (cited by 3 submitters); PubMed 21387466 (cited by Women's Health and Genetics/Laboratory Corporation of America, LabCorp); PubMed 22585553 (cited by Women's Health and Genetics/Laboratory Corporation of America, LabCorp).